The following is an entry in ClinVar:

ClinVar aggregate classification (germline): Uncertain significance (1 of 4 stars; one submission).

Conditions:
Tuberous sclerosis 2 (TSC2). Identifiers: Orphanet 805, MedGen C1860707, MONDO:0013199, OMIM 613254.

Submission:

Labcorp Genetics (formerly Invitae), Labcorp
Classification: Uncertain significance for Tuberous sclerosis 2. Last evaluated: 2021-10-25. Review status: criteria provided, single submitter. Criteria: Invitae Variant Classification Sherloc (09022015). Collection method: clinical testing. Allele origin: germline.
Comment: In summary, the available evidence is currently insufficient to determine the role of this variant in disease. Therefore, it has been classified as a Variant of Uncertain Significance. Advanced modeling of protein sequence and biophysical properties (such as structural, functional, and spatial information, amino acid conservation, physicochemical variation, residue mobility, and thermodynamic stability) performed at Invitae indicates that this missense variant is not expected to disrupt TSC2 protein function. This variant has not been reported in the literature in individuals affected with TSC2-related conditions. This variant is not present in population databases (ExAC no frequency). This sequence change replaces glutamic acid with glutamine at codon 1230 of the TSC2 protein (p.Glu1230Gln). The glutamic acid residue is highly conserved and there is a small physicochemical difference between glutamic acid and glutamine.

NM_000548.5(TSC2):c.3688G>C (p.Glu1230Gln)

Gene: TSC2 (TSC complex subunit 2; plus strand). Cytogenetic location: 16p13.3.
Variant type: single nucleotide variant.
Coding change: c.3688G>C on transcript NM_000548.5 (MANE Select); coding-DNA position 3688, G replaced by C.
Protein change: p.Glu1230Gln; replaces glutamic acid 1230 with glutamine.
Molecular consequence: missense variant.
Genome position (GRCh38, 1-based): chr16:2,081,672, G>C. VCF-style: chr16-2081672-G-C. GRCh37 (hg19) VCF-style: chr16-2131673-G-C.
Other names: c.3556G>C, p.Glu1186Gln (NM_001077183.3, NM_001370404.1); c.3688G>C, p.Glu1230Gln (NM_001114382.3); c.3448G>C, p.Glu1150Gln (NM_001318827.2); c.3412G>C, p.Glu1138Gln (NM_001318829.2); c.2956G>C, p.Glu986Gln (NM_001318831.2); c.3589G>C, p.Glu1197Gln (NM_001318832.2); c.3559G>C, p.Glu1187Gln (NM_001363528.2, NM_001370405.1, NM_021055.3); short protein forms E1187Q, E986Q, E1138Q, E1197Q, E1150Q, E1230Q, E1186Q.
Identifiers: ClinVar variation 1389361 (VCV001389361.6), dbSNP rs2151482097, ClinGen allele CA394292418.